The following is an entry in ClinVar:

NM_000372.5(TYR):c.1424_1433del (p.Trp475fs)

Gene: TYR (tyrosinase; plus strand). Cytogenetic location: 11q14.3.
Variant type: Deletion.
Coding change: c.1424_1433del on transcript NM_000372.5 (MANE Select); coding-DNA positions 1424 to 1433, 10 bases deleted (GGTCATGGCT; older notation c.1424_1433delGGTCATGGCT).
Protein change: p.Trp475fs; shifts the reading frame from tryptophan 475.
Molecular consequence: frameshift variant.
Genome position (GRCh38, 1-based): chr11:89,295,200-89,295,209, GGTCATGGCT deleted; deleting any 10 consecutive bases within chr11:89,295,198-89,295,209 gives the same sequence; the c. name uses the placement nearest the transcript's 3' end. VCF-style (leftmost placement, unchanged base first): chr11-89295197-TCTGGTCATGG-T. GRCh37 (hg19) VCF-style: chr11-89028365-TCTGGTCATGG-T.
Other names: c.1424_1433del10 (NM_000372.4); short protein forms W475fs.
Identifiers: ClinVar variation 500924 (VCV000500924.9), dbSNP rs1402167763, ClinGen allele CA601194770.

ClinVar aggregate classification (germline): Likely pathogenic. Review status: criteria provided, multiple submitters, no conflicts (2 of 4 stars). 3 submissions from 3 submitters: Likely pathogenic (2). 1 of the submissions does not count toward it. Last evaluated 2019-10-16.

Conditions:
TYR-related disorder. Also called: TYR-related condition.

Submissions (3):

Blueprint Genetics
Classification: Likely pathogenic for TYR-related disorders. Last evaluated: 2019-10-16. Review status: criteria provided, single submitter. Criteria: ACMG Guidelines, 2015. Collection method: clinical testing. Allele origin: germline. Affected: yes. Observed: 1 variant allele.

Eurofins Ntd Llc (ga)
Classification: Likely pathogenic. Last evaluated: 2017-03-17. Review status: criteria provided, single submitter. Criteria: EGL Classification Definitions 2015. Collection method: clinical testing. Allele origin: germline. Observed: 1 variant allele, 1 heterozygote.

PreventionGenetics, part of Exact Sciences
Classification: Pathogenic for TYR-related condition. Last evaluated: 2023-12-30. Review status: no assertion criteria provided. Collection method: clinical testing. Allele origin: germline. Not counted in ClinVar's aggregate classification.
Comment: The TYR c.1424_1433del10 variant is predicted to result in a frameshift and premature protein termination (p.Trp475Serfs*7). To our knowledge, this variant has not been reported in the literature. This variant is reported in 0.00088% of alleles in individuals of European (Non-Finnish) descent in gnomAD. Frameshift variants in TYR are expected to be pathogenic and therefore we interpret c.1424_1433del (p.Trp475Serfs*7) as pathogenic.